The following is an entry in ClinVar:

ClinVar aggregate classification (germline): Uncertain significance. Review status: criteria provided, multiple submitters, no conflicts (2 of 4 stars). 4 submissions from 4 submitters: Uncertain significance (3). 1 of the submissions does not count toward it. Last evaluated 2025-11-10.

Conditions:
Fanconi anemia (FA). Also called: Fanconi's anemia. Identifiers: Orphanet 84, MedGen C0015625, MeSH D005199, MONDO:0019391.
Fanconi anemia complementation group I (FANCI). Also called: FANCI-Related Fanconi Anemia. Identifiers: Orphanet 84, MedGen C1836861, MONDO:0012186, OMIM 609053.

Allele frequency attached by ClinVar (database versions not stated): gnomAD 0.00001 and 0.00002; gnomAD exomes 0.00001 and 0.00006; ExAC 0.00002; TOPMed 0.00002; ESP Exome Variant Server 0.00008.
gnomAD v4.1: 106 of 1,613,960 alleles (0.0066%); highest among the groups gnomAD compares: Non-Finnish European, 0.0077%; no homozygotes.

Submissions (4):

Women's Health and Genetics/Laboratory Corporation of America, LabCorp
Classification: Uncertain significance. Last evaluated: 2025-11-10. Review status: criteria provided, single submitter. Criteria: LabCorp Variant Classification Summary - May 2015. Collection method: clinical testing. Allele origin: germline.
Comment: Variant summary: FANCI c.217A>T (p.Ile73Phe) results in a non-conservative amino acid change in the encoded protein sequence. Algorithms developed to predict the effect of missense changes on protein structure and function are either unavailable or do not agree on the potential impact of this missense change. The variant allele was found at a frequency of 1.2e-05 in 251464 control chromosomes. c.217A>T has been observed in the homozygous state in at least 1 individual(s) affected with clinical features overlapping with Fanconi Anemia but otherwise considered an unspecified form of CAKUT (example, Connaughton_2019). These data indicate that the variant may be associated with disease. To our knowledge, no experimental evidence demonstrating an impact on protein function has been reported. The following publications have been ascertained in the context of this evaluation (PMID: 30773290, 31822006, 26094658, 35099770). ClinVar contains an entry for this variant (Variation ID: 583183). Based on the evidence outlined above, the variant was classified as VUS-possibly pathogenic.

Labcorp Genetics (formerly Invitae), Labcorp
Classification: Uncertain significance for Fanconi anemia. Last evaluated: 2025-07-21. Review status: criteria provided, single submitter. Criteria: Invitae Variant Classification Sherloc (09022015). Collection method: clinical testing. Allele origin: germline.
Comment: This sequence change replaces isoleucine, which is neutral and non-polar, with phenylalanine, which is neutral and non-polar, at codon 73 of the FANCI protein (p.Ile73Phe). This variant is present in population databases (rs138808921, gnomAD 0.003%). This missense change has been observed in individual(s) with chronic kidney disease of unknown etiology (CKDU) (PMID: 30773290). ClinVar contains an entry for this variant (Variation ID: 583183). Invitae Evidence Modeling of protein sequence and biophysical properties (such as structural, functional, and spatial information, amino acid conservation, physicochemical variation, residue mobility, and thermodynamic stability) indicates that this missense variant is expected to disrupt FANCI protein function with a positive predictive value of 80%. Algorithms developed to predict the effect of sequence changes on RNA splicing suggest that this variant may disrupt the consensus splice site. In summary, the available evidence is currently insufficient to determine the role of this variant in disease. Therefore, it has been classified as a Variant of Uncertain Significance.

Fulgent Genetics
Classification: Uncertain significance for Fanconi anemia complementation group I. Last evaluated: 2022-05-09. Review status: criteria provided, single submitter. Criteria: ACMG Guidelines, 2015. Collection method: clinical testing. Allele origin: unknown.

Yale Center for Mendelian Genomics, Yale University
Classification: Likely pathogenic for Fanconi anemia complementation group I. Last evaluated: 2019-02-14. Review status: no assertion criteria provided. Collection method: literature only. Allele origin: germline. Affected: yes. Observed: 1 homozygote. Study: Yale Center for Mendelian Genomics. Not counted in ClinVar's aggregate classification.

Literature cited by the submitters: PubMed 26094658 (cited by Women's Health and Genetics/Laboratory Corporation of America, LabCorp); PubMed 30773290 (cited by 3 submitters); PubMed 35099770 (cited by Women's Health and Genetics/Laboratory Corporation of America, LabCorp); PubMed 31822006 (cited by Women's Health and Genetics/Laboratory Corporation of America, LabCorp).

NM_001113378.2(FANCI):c.217A>T (p.Ile73Phe)

Gene: FANCI (FA complementation group I; plus strand). Cytogenetic location: 15q26.1.
Variant type: single nucleotide variant.
Coding change: c.217A>T on transcript NM_001113378.2 (MANE Select); coding-DNA position 217, A replaced by T.
Protein change: p.Ile73Phe; replaces isoleucine 73 with phenylalanine.
Molecular consequence: missense variant. On other transcripts: 5 prime UTR variant (1).
Genome position (GRCh38, 1-based): chr15:89,260,772, A>T. VCF-style: chr15-89260772-A-T. GRCh37 (hg19) VCF-style: chr15-89804003-A-T.
Other names: c.-63A>T (NM_001376910.1); c.217A>T, p.Ile73Phe (NM_001376911.1, NM_018193.3); short protein forms I73F.
Identifiers: ClinVar variation 583183 (VCV000583183.12), dbSNP rs138808921, ClinGen allele CA7722537.